The following is an entry in ClinVar:

NM_014159.7(SETD2):c.5561C>T (p.Pro1854Leu)

Gene: SETD2 (SET domain containing 2, histone lysine methyltransferase; minus strand). Cytogenetic location: 3p21.31.
Variant type: single nucleotide variant.
Coding change: c.5561C>T on transcript NM_014159.7 (MANE Select); coding-DNA position 5561, C replaced by T.
Protein change: p.Pro1854Leu; replaces proline 1854 with leucine.
Molecular consequence: missense variant. On other transcripts: non-coding transcript variant (1).
Genome position (GRCh38, 1-based): chr3:47,084,219, G>A on the plus strand (C>T on the coding strand, the complement: SETD2 is on the minus strand). VCF-style: chr3-47084219-G-A. GRCh37 (hg19) VCF-style: chr3-47125709-G-A.
Other names: c.5429C>T, p.Pro1810Leu (NM_001349370.3); short protein forms P1854L, P1810L.
Identifiers: ClinVar variation 574360 (VCV000574360.5), dbSNP rs1559701896, ClinGen allele CA352536176.
Genomic context (GRCh38, chr3:47,084,219, plus strand): 5'-TTGGGAGTGTCTGTGTCAGCTTCTGTGCTCAGCTTGGTGGAAGGATCAGGTGTGTTGAGT[G>A]GTGTATGAGCACGCGATGTATTCTCACTAGAATACCCATCTCCTTCACTCAACGGAGGGA-3'
Protein context (NP_054878.5, residues 1844-1864): SSENTSRAHT[Pro1854Leu]LNTPDPSTKL

ClinVar aggregate classification (germline): Uncertain significance (1 of 4 stars; one submission).

Conditions:
Luscan-Lumish syndrome. Identifiers: Orphanet 597738, MedGen C4085873, MONDO:0014791, OMIM 616831.

Submission:

Labcorp Genetics (formerly Invitae), Labcorp
Classification: Uncertain significance for Luscan-Lumish syndrome. Last evaluated: 2018-02-21. Review status: criteria provided, single submitter. Criteria: Invitae Variant Classification Sherloc (09022015). Collection method: clinical testing. Allele origin: germline.
Comment: This sequence change replaces proline with leucine at codon 1854 of the SETD2 protein (p.Pro1854Leu). The proline residue is highly conserved and there is a moderate physicochemical difference between proline and leucine. This variant is not present in population databases (ExAC no frequency). This variant has not been reported in the literature in individuals with SETD2-related disease. Algorithms developed to predict the effect of missense changes on protein structure and function do not agree on the potential impact of this missense change (SIFT: "Tolerated"; PolyPhen-2: "Probably Damaging"; Align-GVGD: "Class C0"). In summary, the available evidence is currently insufficient to determine the role of this variant in disease. Therefore, it has been classified as a Variant of Uncertain Significance.